The following is an entry in ClinVar:

ClinVar aggregate classification (germline): Uncertain significance (1 of 4 stars; one submission).

Submission:

Labcorp Genetics (formerly Invitae), Labcorp
Classification: Uncertain significance. Last evaluated: 2026-01-05. Review status: criteria provided, single submitter. Criteria: Invitae Variant Classification Sherloc (09022015). Collection method: clinical testing. Allele origin: germline.
Comment: This sequence change replaces tyrosine, which is neutral and polar, with asparagine, which is neutral and polar, at codon 146 of the FBXL4 protein (p.Tyr146Asn). This variant is not present in population databases (gnomAD no frequency). This variant has not been reported in the literature in individuals affected with FBXL4-related conditions. ClinVar contains an entry for this variant (Variation ID: 1721946). Invitae Evidence Modeling of protein sequence and biophysical properties (such as structural, functional, and spatial information, amino acid conservation, physicochemical variation, residue mobility, and thermodynamic stability) indicates that this missense variant is expected to disrupt FBXL4 protein function with a positive predictive value of 95%. In summary, the available evidence is currently insufficient to determine the role of this variant in disease. Therefore, it has been classified as a Variant of Uncertain Significance.

NM_001278716.2(FBXL4):c.436T>A (p.Tyr146Asn)

Gene: FBXL4 (F-box and leucine rich repeat protein 4; minus strand). Cytogenetic location: 6q16.2.
Variant type: single nucleotide variant.
Coding change: c.436T>A on transcript NM_001278716.2 (MANE Select); coding-DNA position 436, T replaced by A.
Protein change: p.Tyr146Asn; replaces tyrosine 146 with asparagine.
Molecular consequence: missense variant. On other transcripts: non-coding transcript variant (2).
Genome position (GRCh38, 1-based): chr6:98,926,553, A>T on the plus strand (T>A on the coding strand, the complement: FBXL4 is on the minus strand). VCF-style: chr6-98926553-A-T. GRCh37 (hg19) VCF-style: chr6-99374429-A-T.
Other names: c.436T>A, p.Tyr146Asn (NM_012160.5); short protein forms Y146N.
Identifiers: ClinVar variation 1721946 (VCV001721946.5), dbSNP rs2535144480, ClinGen allele CA365088846.